The following is an entry in ClinVar:

NM_001267550.2(TTN):c.103973T>C (p.Ile34658Thr)

Genes: TTN-AS1 (TTN antisense RNA 1; plus strand), TTN (titin; minus strand). Cytogenetic location: 2q31.2.
Variant type: single nucleotide variant.
Coding change: c.103973T>C on transcript NM_001267550.2 (MANE Select); coding-DNA position 103973, T replaced by C.
Protein change: p.Ile34658Thr; replaces isoleucine 34658 with threonine.
Molecular consequence: missense variant.
Genome position (GRCh38, 1-based): chr2:178,532,642, A>G on the plus strand (T>C on the coding strand, the complement: TTN is on the minus strand). VCF-style: chr2-178532642-A-G. GRCh37 (hg19) VCF-style: chr2-179397369-A-G.
Other names: c.99050T>C, p.Ile33017Thr (NM_001256850.1); c.76778T>C, p.Ile25593Thr (NM_003319.4); c.96269T>C, p.Ile32090Thr (NM_133378.4); c.77153T>C, p.Ile25718Thr (NM_133432.3); c.77354T>C, p.Ile25785Thr (NM_133437.4); short protein forms I32090T, I25718T, I25593T, I25785T, I33017T, I34658T.
Identifiers: ClinVar variation 846710 (VCV000846710.8), dbSNP rs1689681272, ClinGen allele CA349412831.

ClinVar aggregate classification (germline): Uncertain significance (1 of 4 stars; one submission).

Conditions:
Dilated cardiomyopathy 1G (CMD1G). Identifiers: Orphanet 154, MedGen C1858763, MONDO:0011400, OMIM 604145.
Autosomal recessive limb-girdle muscular dystrophy type 2J (LGMDR10). Also called: Limb-girdle muscular dystrophy, type 2J; MUSCULAR DYSTROPHY, LIMB-GIRDLE, AUTOSOMAL RECESSIVE 10. Identifiers: Orphanet 140922, MedGen C1837342, MONDO:0012127, OMIM 608807.

gnomAD v4.1: 1 of 1,613,938 alleles (0.000062%); highest among the groups gnomAD compares: Non-Finnish European, 0.000085%; no homozygotes.

Submission:

Labcorp Genetics (formerly Invitae), Labcorp
Classification: Uncertain significance for Dilated cardiomyopathy 1G; Autosomal recessive limb-girdle muscular dystrophy type 2J. Last evaluated: 2019-12-13. Review status: criteria provided, single submitter. Criteria: Invitae Variant Classification Sherloc (09022015). Collection method: clinical testing. Allele origin: germline.
Comment: This variant has not been reported in the literature in individuals with TTN-related conditions. Algorithms developed to predict the effect of missense changes on protein structure and function are unavailable for the TTN gene. This variant is located in the M band of TTN (PMID: 25589632). Variants in this region may be relevant for neuromuscular disorders, but have not been definitively shown to cause cardiomyopathy (PMID: 23975875). In summary, the available evidence is currently insufficient to determine the role of this variant in disease. Therefore, it has been classified as a Variant of Uncertain Significance. This variant is not present in population databases (ExAC no frequency). This sequence change replaces isoleucine with threonine at codon 34658 of the TTN protein (p.Ile34658Thr). There is a moderate physicochemical difference between isoleucine and threonine.

Literature cited by the submitters: PubMed 25589632; PubMed 23975875.